The following is an entry in ClinVar:

ClinVar aggregate classification (germline): Pathogenic (1 of 4 stars; one submission).

Conditions:
Ullrich congenital muscular dystrophy 1C (UCMD1C). Identifiers: MedGen C5935583, MONDO:0958236, OMIM 620728.

Submission:

3billion
Classification: Pathogenic for Ullrich congenital muscular dystrophy 1C. Last evaluated: 2024-11-15. Review status: criteria provided, single submitter. Criteria: ACMG Guidelines, 2015. Collection method: clinical testing. Allele origin: germline. Affected: yes.
Comment: The variant is not observed in the gnomAD v4.1.0 dataset. Predicted Consequence/Location: Stop-gained (nonsense): predicted to result in a loss or disruption of normal protein function through nonsense-mediated decay (NMD) or protein truncation. Multiple pathogenic variants are reported downstream of the variant. Therefore, this variant is classified as Pathogenic according to the recommendation of ACMG/AMP guideline.

NM_004369.4(COL6A3):c.6253C>T (p.Gln2085Ter)

Gene: COL6A3 (collagen type VI alpha 3 chain; minus strand). Cytogenetic location: 2q37.3.
Variant type: single nucleotide variant.
Coding change: c.6253C>T on transcript NM_004369.4 (MANE Select); coding-DNA position 6253, C replaced by T.
Protein change: p.Gln2085Ter; replaces glutamine 2085 with a stop codon.
Molecular consequence: nonsense.
Genome position (GRCh38, 1-based): chr2:237,360,117, G>A on the plus strand (C>T on the coding strand, the complement: COL6A3 is on the minus strand). VCF-style: chr2-237360117-G-A. GRCh37 (hg19) VCF-style: chr2-238268760-G-A.
Other names: c.4432C>T, p.Gln1478Ter (NM_057166.5); c.5635C>T, p.Gln1879Ter (NM_057167.4); short protein forms Q1478*, Q1879*, Q2085*.
Identifiers: ClinVar variation 4292198 (VCV004292198.1).